The following is an entry in ClinVar:

NM_000517.6(HBA2):c.-24C>G

Genes: HBA2 (hemoglobin subunit alpha 2; plus strand), LOC106804612 (hemoglobin subunit alpha 2 recombination region; plus strand). Cytogenetic location: 16p13.3.
Variant type: single nucleotide variant.
Coding change: c.-24C>G on transcript NM_000517.6 (MANE Select); 24 bases upstream of the start codon, C replaced by G.
Molecular consequence: 5 prime UTR variant.
Genome position (GRCh38, 1-based): chr16:172,889, C>G. VCF-style: chr16-172889-C-G. GRCh37 (hg19) VCF-style: chr16-222888-C-G.
Other names: CAP +14 C>G.
Identifiers: ClinVar variation 439113 (VCV000439113.18), dbSNP rs772829778, ClinGen allele CA7770106.
Genomic context (GRCh38, chr16:172,889, plus strand): 5'-GTGCCCCCGCGCCCCAAGCATAAACCCTGGCGCGCTCGCGGGCCGGCACTCTTCTGGTCC[C>G]CACAGACTCAGAGAGAACCCACCATGGTGCTGTCTCCTGCCGACAAGACCAACGTCAAGG-3'

ClinVar aggregate classification (germline): Benign. Review status: reviewed by expert panel (3 of 4 stars). 7 submissions from 7 submitters: Benign (1). 6 of the submissions do not count toward it. Last evaluated 2026-04-08.

Conditions:
alpha Thalassemia. Also called: Alpha thalassemia spectrum. Identifiers: Orphanet 846, MedGen C0002312, MONDO:0011399, OMIM 604131.
HBA2-related alpha thalassemia spectrum. Identifiers: MedGen CN377749, MONDO:0100562.

Allele frequency attached by ClinVar (database versions not stated): gnomAD exomes 0.06872 and 0.08169.

Submissions (7):

ClinGen Hemoglobinopathy Variant Curation Expert Panel, ClinGen
Classification: Benign for HBA2-related alpha thalassemia spectrum. Last evaluated: 2026-04-08. Review status: reviewed by expert panel. Criteria: ClinGen Hb Opathy ACMG Specifications HBA2 V1.0.0. Collection method: curation. Allele origin: germline. Inheritance: Autosomal recessive inheritance.
Comment: The NM_000517.6(HBA2):c.-24C>G variant in HBA2 is located in the 5'UTR region and is observed at a GrpMax filtering allele frequency (FAF) of 0.1024 (VCEP threshold ≥0.005) in Middle Eastern individuals in gnomAD v4.1.0. The FAF also exceeds the VCEP BA1 threshold in an additional 7 gnomAD v4.1.0 ancestry groups, supporting application of BA1 [BA1]. The results from two in silico predictors, CADD (PHRED score 0.616; VCEP threshold ≤11) and SpliceAI (Δ score 0; VCEP threshold ≤0.3) suggest that this variant is not expected to impact HBA2 function [BP4]. In summary, this variant meets the criteria to be classified as benign for recessive HBA2-related alpha thalassemia spectrum (MONDO:0100562) based on the ACMG/AMP criteria applied, as specified by the ClinGen Hemoglobinopathy VCEP (specification version 1.0.0): BA1, BP4

Center for Genomic Medicine, Rigshospitalet, Copenhagen University Hospital
Classification: Benign. Last evaluated: 2025-03-04. Review status: criteria provided, single submitter. Criteria: ACMG Guidelines, 2015. Collection method: clinical testing. Allele origin: germline. Not counted in ClinVar's aggregate classification.

Quest Diagnostics Nichols Institute San Juan Capistrano
Classification: Benign. Last evaluated: 2023-04-05. Review status: criteria provided, single submitter. Criteria: Quest Diagnostics criteria. Collection method: clinical testing. Allele origin: unknown. Not counted in ClinVar's aggregate classification.

ARUP Laboratories, Molecular Genetics and Genomics, ARUP Laboratories
Classification: Benign. Last evaluated: 2020-04-21. Review status: criteria provided, single submitter. Criteria: ARUP Molecular Germline Variant Investigation Process. Collection method: clinical testing. Allele origin: germline. Not counted in ClinVar's aggregate classification.

GeneDx
Classification: Benign. Last evaluated: 2018-07-09. Review status: criteria provided, single submitter. Criteria: GeneDx Variant Classification Process June 2021. Collection method: clinical testing. Allele origin: germline. Affected: yes. Not counted in ClinVar's aggregate classification.
Comment: This variant is associated with the following publications: (PMID: 31478238)

Natera, Inc.
Classification: Benign for Alpha thalassemia. Last evaluated: 2020-09-16. Review status: no assertion criteria provided. Collection method: clinical testing. Allele origin: germline. Not counted in ClinVar's aggregate classification.

The ITHANET community portal, The Cyprus Institute of Neurology and Genetics
Classification: Benign for alpha Thalassemia. Last evaluated: 2019-11-25. Review status: no assertion criteria provided. Collection method: curation. Allele origin: germline. Not counted in ClinVar's aggregate classification.

Literature cited by the submitters: PubMed 15365991 (cited by Quest Diagnostics Nichols Institute San Juan Capistrano); PubMed 25730315 (cited by Quest Diagnostics Nichols Institute San Juan Capistrano); PubMed 31478238 (cited by Quest Diagnostics Nichols Institute San Juan Capistrano); PubMed 29627922 (cited by Quest Diagnostics Nichols Institute San Juan Capistrano); PubMed 8829628 (cited by The ITHANET community portal, The Cyprus Institute of Neurology and Genetics).